The following is an entry in ClinVar:

NM_004304.5(ALK):c.861C>A (p.Ser287Arg)

Gene: ALK (ALK receptor tyrosine kinase; minus strand). Cytogenetic location: 2p23.2.
Variant type: single nucleotide variant.
Coding change: c.861C>A on transcript NM_004304.5 (MANE Select); coding-DNA position 861, C replaced by A.
Protein change: p.Ser287Arg; replaces serine 287 with arginine.
Molecular consequence: missense variant.
Genome position (GRCh38, 1-based): chr2:29,694,941, G>T on the plus strand (C>A on the coding strand, the complement: ALK is on the minus strand). VCF-style: chr2-29694941-G-T. GRCh37 (hg19) VCF-style: chr2-29917807-G-T.
Other names: short protein forms S287R.
Identifiers: ClinVar variation 4671837 (VCV004671837.1).
Genomic context (GRCh38, chr2:29,694,941, plus strand): 5'-AGGCCCATCCAGCAAGTCCATCTGGGAGGCCTCCTCGGAGGGGATGCGGCGCCAGGACCA[G>T]CTCTGGTTCCTGAGGTCATGCAGTGGAGGGGAATACTCCAGCTCACAGGGGAAGTCAAAG-3'
Protein context (NP_004295.2, residues 277-297): SPPLHDLRNQ[Ser287Arg]WSWRRIPSEE

ClinVar aggregate classification (germline): Uncertain significance (1 of 4 stars; one submission).

Conditions:
Hereditary cancer-predisposing syndrome. Also called: Neoplastic Syndromes, Hereditary; Tumor predisposition; Hereditary Cancer Syndrome; Hereditary neoplastic syndrome. Identifiers: Orphanet 140162, MedGen C0027672, MeSH D009386, MONDO:0015356.

Submission:

Ambry Genetics
Classification: Uncertain significance for Hereditary cancer-predisposing syndrome. Last evaluated: 2025-09-22. Review status: criteria provided, single submitter. Criteria: Ambry Variant Classification Scheme 2023. Collection method: clinical testing. Allele origin: germline.
Comment: The p.S287R variant (also known as c.861C>A), located in coding exon 3 of the ALK gene, results from a C to A substitution at nucleotide position 861. The serine at codon 287 is replaced by arginine, an amino acid with dissimilar properties. This amino acid position is conserved. In addition, this alteration is predicted to be tolerated by in silico analysis. Based on the available evidence, the clinical significance of this variant remains unclear.